The following is an entry in ClinVar:

NM_001267550.2(TTN):c.104505A>T (p.Arg34835Ser)

Genes: TTN-AS1 (TTN antisense RNA 1; plus strand), TTN (titin; minus strand). Cytogenetic location: 2q31.2.
Variant type: single nucleotide variant.
Coding change: c.104505A>T on transcript NM_001267550.2 (MANE Select); coding-DNA position 104505, A replaced by T.
Protein change: p.Arg34835Ser; replaces arginine 34835 with serine.
Molecular consequence: missense variant.
Genome position (GRCh38, 1-based): chr2:178,532,110, T>A on the plus strand (A>T on the coding strand, the complement: TTN is on the minus strand). VCF-style: chr2-178532110-T-A. GRCh37 (hg19) VCF-style: chr2-179396837-T-A.
Other names: c.99582A>T, p.Arg33194Ser (NM_001256850.1); c.77310A>T, p.Arg25770Ser (NM_003319.4); c.96801A>T, p.Arg32267Ser (NM_133378.4); c.77685A>T, p.Arg25895Ser (NM_133432.3); c.77886A>T, p.Arg25962Ser (NM_133437.4); short protein forms R32267S, R34835S, R25770S, R25895S, R25962S, R33194S.
Identifiers: ClinVar variation 1417886 (VCV001417886.6), dbSNP rs1464816261, ClinGen allele CA349411521.

ClinVar aggregate classification (germline): Uncertain significance (1 of 4 stars; one submission).

Conditions:
Dilated cardiomyopathy 1G (CMD1G). Identifiers: Orphanet 154, MedGen C1858763, MONDO:0011400, OMIM 604145.
Autosomal recessive limb-girdle muscular dystrophy type 2J (LGMDR10). Also called: MUSCULAR DYSTROPHY, LIMB-GIRDLE, AUTOSOMAL RECESSIVE 10; Limb-girdle muscular dystrophy, type 2J. Identifiers: Orphanet 140922, MedGen C1837342, MONDO:0012127, OMIM 608807.

Allele frequency attached by ClinVar (database versions not stated): gnomAD exomes 0.00001 and 0.00002.
gnomAD v4.1: 14 of 1,613,974 alleles (0.00087%); highest among the groups gnomAD compares: Non-Finnish European, 0.0012%; no homozygotes.

Submission:

Labcorp Genetics (formerly Invitae), Labcorp
Classification: Uncertain significance for Dilated cardiomyopathy 1G; Autosomal recessive limb-girdle muscular dystrophy type 2J. Last evaluated: 2021-06-08. Review status: criteria provided, single submitter. Criteria: Invitae Variant Classification Sherloc (09022015). Collection method: clinical testing. Allele origin: germline.
Comment: In summary, the available evidence is currently insufficient to determine the role of this variant in disease. Therefore, it has been classified as a Variant of Uncertain Significance. Experimental studies and prediction algorithms are not available or were not evaluated, and the functional significance of this variant is currently unknown. This variant has not been reported in the literature in individuals with TTN-related conditions. This variant is not present in population databases (ExAC no frequency). This sequence change replaces arginine with serine at codon 34835 of the TTN protein (p.Arg34835Ser). There is a moderate physicochemical difference between arginine and serine. This variant is located in the M band of TTN (PMID: 25589632). Variants in this region may be relevant for neuromuscular disorders, but have not been definitively shown to cause cardiomyopathy (PMID: 23975875).

Literature cited by the submitters: PubMed 25589632; PubMed 23975875.